The following is an entry in ClinVar:

NM_001242896.3(DEPDC5):c.4520G>A (p.Gly1507Glu)

Gene: DEPDC5 (DEP domain containing 5, GATOR1 subcomplex subunit; plus strand). Cytogenetic location: 22q12.3.
Variant type: single nucleotide variant.
Coding change: c.4520G>A on transcript NM_001242896.3 (MANE Select); coding-DNA position 4520, G replaced by A.
Protein change: p.Gly1507Glu; replaces glycine 1507 with glutamic acid.
Molecular consequence: missense variant. On other transcripts: non-coding transcript variant (5).
Genome position (GRCh38, 1-based): chr22:31,906,205, G>A. VCF-style: chr22-31906205-G-A. GRCh37 (hg19) VCF-style: chr22-32302191-G-A.
Other names: c.4493G>A, p.Gly1498Glu (NM_001136029.4); c.4220G>A, p.Gly1407Glu (NM_001242897.2); c.4454G>A, p.Gly1485Glu (NM_001363852.2, NM_001364320.2); c.4286G>A, p.Gly1429Glu (NM_001363854.2, NM_001364319.2); c.4520G>A, p.Gly1507Glu (NM_001364318.2); c.4436G>A, p.Gly1479Glu (NM_001369901.1, NM_001369902.1); c.4427G>A, p.Gly1476Glu (NM_001369903.1, NM_014662.6); short protein forms G1407E, G1429E, G1476E, G1479E, G1485E, G1498E, G1507E.
Identifiers: ClinVar variation 4822854 (VCV004822854.4).

ClinVar aggregate classification (germline): Uncertain significance (1 of 4 stars; one submission).

Submission:

CeGaT Center for Human Genetics Tuebingen
Classification: Uncertain significance. Last evaluated: 2026-01-01. Review status: criteria provided, single submitter. Criteria: CeGaT Center For Human Genetics Tuebingen Variant Classification Criteria Version 2. Collection method: clinical testing. Allele origin: germline. Affected: yes. Observed: 1 variant allele.
Comment: DEPDC5: PM2, BP1